The following is an entry in ClinVar:

ClinVar aggregate classification (germline): Uncertain significance (1 of 4 stars; one submission).

Allele frequency attached by ClinVar (database versions not stated): gnomAD 0.00001; TOPMed 0.00002.

Submission:

GeneDx
Classification: Uncertain significance. Last evaluated: 2022-05-12. Review status: criteria provided, single submitter. Criteria: GeneDx Variant Classification Process June 2021. Collection method: clinical testing. Allele origin: germline. Affected: yes.
Comment: In silico analysis supports that this missense variant has a deleterious effect on protein structure/function; Has not been previously published as pathogenic or benign to our knowledge

NM_207361.6(FREM2):c.4568G>A (p.Arg1523His)

Gene: FREM2 (FRAS1 related extracellular matrix 2; plus strand). Cytogenetic location: 13q13.3.
Variant type: single nucleotide variant.
Coding change: c.4568G>A on transcript NM_207361.6 (MANE Select); coding-DNA position 4568, G replaced by A.
Protein change: p.Arg1523His; replaces arginine 1523 with histidine.
Molecular consequence: missense variant.
Genome position (GRCh38, 1-based): chr13:38,691,912, G>A. VCF-style: chr13-38691912-G-A. GRCh37 (hg19) VCF-style: chr13-39266049-G-A.
Other names: short protein forms R1523H.
Identifiers: ClinVar variation 1723514 (VCV001723514.2), dbSNP rs771024658, ClinGen allele CA387893403.